The following is an entry in ClinVar:

ClinVar aggregate classification (germline): Uncertain significance (1 of 4 stars; one submission).

Submission:

Labcorp Genetics (formerly Invitae), Labcorp
Classification: Uncertain significance. Last evaluated: 2024-08-03. Review status: criteria provided, single submitter. Criteria: Invitae Variant Classification Sherloc (09022015). Collection method: clinical testing. Allele origin: germline.
Comment: This sequence change replaces glutamine, which is neutral and polar, with arginine, which is basic and polar, at codon 1049 of the MTOR protein (p.Gln1049Arg). This variant is not present in population databases (gnomAD no frequency). This variant has not been reported in the literature in individuals affected with MTOR-related conditions. Advanced modeling of protein sequence and biophysical properties (such as structural, functional, and spatial information, amino acid conservation, physicochemical variation, residue mobility, and thermodynamic stability) performed at Invitae indicates that this missense variant is not expected to disrupt MTOR protein function with a negative predictive value of 95%. In summary, the available evidence is currently insufficient to determine the role of this variant in disease. Therefore, it has been classified as a Variant of Uncertain Significance.

NM_004958.4(MTOR):c.3146A>G (p.Gln1049Arg)

Gene: MTOR (mechanistic target of rapamycin kinase; minus strand). Cytogenetic location: 1p36.22.
Variant type: single nucleotide variant.
Coding change: c.3146A>G on transcript NM_004958.4 (MANE Select); coding-DNA position 3146, A replaced by G.
Protein change: p.Gln1049Arg; replaces glutamine 1049 with arginine.
Molecular consequence: missense variant.
Genome position (GRCh38, 1-based): chr1:11,213,538, T>C on the plus strand (A>G on the coding strand, the complement: MTOR is on the minus strand). VCF-style: chr1-11213538-T-C. GRCh37 (hg19) VCF-style: chr1-11273595-T-C.
Other names: c.3146A>G, p.Gln1049Arg (NM_001386500.1); c.1898A>G, p.Gln633Arg (NM_001386501.1); short protein forms Q633R, Q1049R.
Identifiers: ClinVar variation 3633495 (VCV003633495.2).